The following is an entry in ClinVar:

NM_001927.4(DES):c.886T>C (p.Tyr296His)

Gene: DES (desmin; plus strand). Cytogenetic location: 2q35.
Variant type: single nucleotide variant.
Coding change: c.886T>C on transcript NM_001927.4 (MANE Select); coding-DNA position 886, T replaced by C.
Protein change: p.Tyr296His; replaces tyrosine 296 with histidine.
Molecular consequence: missense variant. On other transcripts: intron variant (1).
Genome position (GRCh38, 1-based): chr2:219,420,645, T>C. VCF-style: chr2-219420645-T-C. GRCh37 (hg19) VCF-style: chr2-220285367-T-C.
Other names: c.883T>C, p.Tyr295His (NM_001382708.1); c.886T>C, p.Tyr296His (NM_001382710.1, NM_001382711.1, NM_001382712.1); c.616T>C, p.Tyr206His (NM_001382713.1); c.735+299T>C (NM_001382709.1); short protein forms Y296H, Y206H, Y295H.
Identifiers: ClinVar variation 1425478 (VCV001425478.8), dbSNP rs2125167990, ClinGen allele CA350691907.

ClinVar aggregate classification (germline): Uncertain significance (1 of 4 stars; one submission).

Conditions:
Desmin-related myofibrillar myopathy (MFM1). Also called: MYOFIBRILLAR MYOPATHY WITH ARRHYTHMOGENIC RIGHT VENTRICULAR CARDIOMYOPATHY; DESMIN-RELATED MYOPATHY WITH ARRHYTHMOGENIC RIGHT VENTRICULAR CARDIOMYOPATHY; Desminopathy; Desmin related myopathy (former name); Desmin storage myopathy (former name); Myofibrillar myopathy 1. Identifiers: Orphanet 363543, Orphanet 98909, MedGen C1832370, MONDO:0011076, OMIM 601419.

Submission:

Labcorp Genetics (formerly Invitae), Labcorp
Classification: Uncertain significance for Desmin-related myofibrillar myopathy. Last evaluated: 2020-12-03. Review status: criteria provided, single submitter. Criteria: Invitae Variant Classification Sherloc (09022015). Collection method: clinical testing. Allele origin: germline.
Comment: This variant is not present in population databases (ExAC no frequency). This sequence change replaces tyrosine with histidine at codon 296 of the DES protein (p.Tyr296His). The tyrosine residue is highly conserved and there is a moderate physicochemical difference between tyrosine and histidine. This variant has not been reported in the literature in individuals with DES-related conditions. In summary, the available evidence is currently insufficient to determine the role of this variant in disease. Therefore, it has been classified as a Variant of Uncertain Significance. Algorithms developed to predict the effect of missense changes on protein structure and function (SIFT, PolyPhen-2, Align-GVGD) all suggest that this variant is likely to be disruptive, but these predictions have not been confirmed by published functional studies and their clinical significance is uncertain.